The following is an entry in ClinVar:

ClinVar aggregate classification (germline): Likely pathogenic (1 of 4 stars; one submission).

Conditions:
Neurodevelopmental disorder with dysmorphic facies and distal limb anomalies. Identifiers: Orphanet 686482, MedGen C4540327, MONDO:0060596, OMIM 617755.

Submission:

Baylor Genetics
Classification: Likely pathogenic for Neurodevelopmental disorder with dysmorphic facies and distal limb anomalies. Last evaluated: 2018-09-10. Review status: criteria provided, single submitter. Criteria: ACMG Guidelines, 2015. Collection method: clinical testing. Allele origin: de novo. Affected: yes.
Comment: This variant was determined to be likely pathogenic according to ACMG Guidelines, 2015 [PMID:25741868].

NM_182641.4(BPTF):c.8552T>G (p.Met2851Arg)

Gene: BPTF (bromodomain PHD finger transcription factor; plus strand). Cytogenetic location: 17q24.2.
Variant type: single nucleotide variant.
Coding change: c.8552T>G on transcript NM_182641.4 (MANE Select); coding-DNA position 8552, T replaced by G.
Protein change: p.Met2851Arg; replaces methionine 2851 with arginine.
Molecular consequence: missense variant.
Genome position (GRCh38, 1-based): chr17:67,975,784, T>G. VCF-style: chr17-67975784-T-G. GRCh37 (hg19) VCF-style: chr17-65971900-T-G.
Other names: c.8501T>G, p.Met2834Arg (NM_004459.7); short protein forms M2834R, M2851R.
Identifiers: ClinVar variation 1031427 (VCV001031427.1), dbSNP rs2069336193, ClinGen allele CA400733473.